The following is an entry in ClinVar:

ClinVar aggregate classification (germline): Uncertain significance. Review status: criteria provided, multiple submitters, no conflicts (2 of 4 stars). 3 submissions from 3 submitters: Uncertain significance (3). Last evaluated 2025-06-10.

Conditions:
Hereditary cancer-predisposing syndrome. Also called: Hereditary neoplastic syndrome; Tumor predisposition; Hereditary Cancer Syndrome; Neoplastic Syndromes, Hereditary. Identifiers: Orphanet 140162, MedGen C0027672, MeSH D009386, MONDO:0015356.
POLD1-related polyposis and colorectal cancer syndrome (CRCS10). Also called: Colorectal cancer, susceptibility to, 10; Colorectal cancer 10; COLORECTAL CANCER, SUSCEPTIBILITY TO, ON CHROMOSOME 19q. Identifiers: Orphanet 220460, MedGen C2675481, MONDO:0012953, OMIM 612591.

Allele frequency attached by ClinVar (database versions not stated): gnomAD 0.00001.
gnomAD v4.1: 1 of 1,492,274 alleles (0.000067%); highest among the groups gnomAD compares: Non-Finnish European, 0.00009%; no homozygotes.

Submissions (3):

GeneDx
Classification: Uncertain significance. Last evaluated: 2025-06-10. Review status: criteria provided, single submitter. Criteria: GeneDx Variant Classification Process June 2021. Collection method: clinical testing. Allele origin: germline. Affected: yes.
Comment: Not observed at significant frequency in large population cohorts (gnomAD); In silico analysis supports that this missense variant has a deleterious effect on protein structure/function; Has not been previously published as pathogenic or benign to our knowledge; This variant is associated with the following publications: (PMID: 20951805)

Labcorp Genetics (formerly Invitae), Labcorp
Classification: Uncertain significance for POLD1-related polyposis and colorectal cancer syndrome. Last evaluated: 2025-03-26. Review status: criteria provided, single submitter. Criteria: Invitae Variant Classification Sherloc (09022015). Collection method: clinical testing. Allele origin: germline.
Comment: This sequence change replaces asparagine, which is neutral and polar, with histidine, which is basic and polar, at codon 501 of the POLD1 protein (p.Asn501His). This variant is present in population databases (no rsID available, gnomAD 0.007%). This variant has not been reported in the literature in individuals affected with POLD1-related conditions. ClinVar contains an entry for this variant (Variation ID: 662225). Invitae Evidence Modeling of protein sequence and biophysical properties (such as structural, functional, and spatial information, amino acid conservation, physicochemical variation, residue mobility, and thermodynamic stability) indicates that this missense variant is expected to disrupt POLD1 protein function with a positive predictive value of 80%. In summary, the available evidence is currently insufficient to determine the role of this variant in disease. Therefore, it has been classified as a Variant of Uncertain Significance.

Ambry Genetics
Classification: Uncertain significance for Hereditary cancer-predisposing syndrome. Last evaluated: 2024-03-21. Review status: criteria provided, single submitter. Criteria: Ambry Variant Classification Scheme 2023. Collection method: clinical testing. Allele origin: germline.
Comment: The p.N501H variant (also known as c.1501A>C), located in coding exon 12 of the POLD1 gene, results from an A to C substitution at nucleotide position 1501. The asparagine at codon 501 is replaced by histidine, an amino acid with similar properties. This amino acid position is well conserved in available vertebrate species. In addition, this alteration is predicted to be tolerated by in silico analysis. Since supporting evidence is limited at this time, the clinical significance of this alteration remains unclear.

NM_002691.4(POLD1):c.1501A>C (p.Asn501His)

Gene: POLD1 (DNA polymerase delta 1, catalytic subunit; plus strand). Cytogenetic location: 19q13.33.
Variant type: single nucleotide variant.
Coding change: c.1501A>C on transcript NM_002691.4 (MANE Select); coding-DNA position 1501, A replaced by C.
Protein change: p.Asn501His; replaces asparagine 501 with histidine.
Molecular consequence: missense variant. On other transcripts: non-coding transcript variant (1).
Genome position (GRCh38, 1-based): chr19:50,406,989, A>C. VCF-style: chr19-50406989-A-C. GRCh37 (hg19) VCF-style: chr19-50910246-A-C.
Other names: c.1501A>C, p.Asn501His (NM_001256849.1, NM_001308632.1); short protein forms N501H.
Identifiers: ClinVar variation 662225 (VCV000662225.15), dbSNP rs1379407250, ClinGen allele CA406980753.